The following is an entry in ClinVar:

ClinVar aggregate classification (germline): Pathogenic (1 of 4 stars; one submission).

Submission:

Labcorp Genetics (formerly Invitae), Labcorp
Classification: Pathogenic. Last evaluated: 2025-11-08. Review status: criteria provided, single submitter. Criteria: Invitae Variant Classification Sherloc (09022015). Collection method: clinical testing. Allele origin: germline.
Comment: This sequence change creates a premature translational stop signal (p.Thr1282Ilefs*70) in the OTOGL gene. It is expected to result in an absent or disrupted protein product. Loss-of-function variants in OTOGL are known to be pathogenic (PMID: 23122586). This variant is not present in population databases (gnomAD no frequency). This variant has not been reported in the literature in individuals affected with OTOGL-related conditions. For these reasons, this variant has been classified as Pathogenic.

Literature cited by the submitters: PubMed 23122586.

NM_001378609.3(OTOGL):c.3870_3871dup (p.Thr1291fs)

Gene: OTOGL (otogelin like; plus strand). Cytogenetic location: 12q21.31.
Variant type: Duplication.
Coding change: c.3870_3871dup on transcript NM_001378609.3 (MANE Select); coding-DNA positions 3870 to 3871, 2 bases duplicated (TA; older notation c.3870_3871dupTA).
Protein change: p.Thr1291fs; shifts the reading frame from threonine 1291.
Molecular consequence: frameshift variant.
Genome position (GRCh38, 1-based): chr12:80,320,489-80,320,490, TA duplicated; duplicating any 2 consecutive bases within chr12:80,320,488-80,320,490 gives the same sequence; the c. name uses the placement nearest the transcript's 3' end. VCF-style (leftmost placement, unchanged base first): chr12-80320487-G-GAT. GRCh37 (hg19) VCF-style: chr12-80714267-G-GAT.
Other names: c.3735_3736dup, p.Thr1246fs (NM_001368062.3); c.3870_3871dup, p.Thr1291fs (NM_001378610.3, NM_173591.7); short protein forms T1291fs, T1246fs.
Identifiers: ClinVar variation 4730730 (VCV004730730.1).
Genomic context (GRCh38, chr12:80,320,487, plus strand): 5'-GCACTTGTTTCCTTGGAATCTGCTGAAAGGCCAAACTACTTTCTCTATGTCCATGACAAT[G>GAT]ATACTCTTAGCTTGGAGCTGTGGGAGGCGAATTCAGCCTTTCATCGGAGAGCAACATTTT-3'